The following is an entry in ClinVar:

ClinVar aggregate classification (germline): Uncertain significance (1 of 4 stars; one submission).

Allele frequency attached by ClinVar (database versions not stated): TOPMed 0.00001; gnomAD 0.00003.

Submission:

Labcorp Genetics (formerly Invitae), Labcorp
Classification: Uncertain significance. Last evaluated: 2021-11-27. Review status: criteria provided, single submitter. Criteria: Invitae Variant Classification Sherloc (09022015). Collection method: clinical testing. Allele origin: germline.
Comment: In summary, the available evidence is currently insufficient to determine the role of this variant in disease. Therefore, it has been classified as a Variant of Uncertain Significance. Algorithms developed to predict the effect of missense changes on protein structure and function are either unavailable or do not agree on the potential impact of this missense change (SIFT: "Deleterious"; PolyPhen-2: "Possibly Damaging"; Align-GVGD: "Class C0"). This variant has not been reported in the literature in individuals affected with MYH3-related conditions. This variant is present in population databases (no rsID available, gnomAD 0.02%). This sequence change replaces alanine, which is neutral and non-polar, with threonine, which is neutral and polar, at codon 1578 of the MYH3 protein (p.Ala1578Thr).

NM_002470.4(MYH3):c.4732G>A (p.Ala1578Thr)

Gene: MYH3 (myosin heavy chain 3; minus strand). Cytogenetic location: 17p13.1.
Variant type: single nucleotide variant.
Coding change: c.4732G>A on transcript NM_002470.4 (MANE Select); coding-DNA position 4732, G replaced by A.
Protein change: p.Ala1578Thr; replaces alanine 1578 with threonine.
Molecular consequence: missense variant.
Genome position (GRCh38, 1-based): chr17:10,632,700, C>T on the plus strand (G>A on the coding strand, the complement: MYH3 is on the minus strand). VCF-style: chr17-10632700-C-T. GRCh37 (hg19) VCF-style: chr17-10536017-C-T.
Other names: short protein forms A1578T.
Identifiers: ClinVar variation 1390300 (VCV001390300.6), dbSNP rs1326969212, ClinGen allele CA398137693.